The following is an entry in ClinVar:

ClinVar aggregate classification (germline): Uncertain significance. Review status: criteria provided, multiple submitters, no conflicts (2 of 4 stars). 2 submissions from 2 submitters: Uncertain significance (2). Last evaluated 2025-05-24.

Conditions:
Ehlers-Danlos syndrome, type 4 (EDSVASC). Also called: Ehlers-Danlos syndrome vascular type; Ehlers Danlos syndrome, ecchymotic type; Ehlers Danlos syndrome, arterial type; Ehlers Danlos syndrome, Sack-Barabas type; Ehlers-Danlos Syndrome Type IV. Identifiers: Orphanet 286, MedGen C0268338, MONDO:0017314, OMIM 130050.

Allele frequency attached by ClinVar (database versions not stated): gnomAD exomes below 0.00001 and 0.00001; gnomAD 0.00001; ExAC 0.00004; 1000 Genomes Project 30x 0.00031; 1000 Genomes Project 0.00040.
gnomAD v4.1: 7 of 1,570,980 alleles (0.00045%); highest among the groups gnomAD compares: South Asian, 0.0047%; no homozygotes.

Submissions (2):

Labcorp Genetics (formerly Invitae), Labcorp
Classification: Uncertain significance for Ehlers-Danlos syndrome, type 4. Last evaluated: 2025-05-24. Review status: criteria provided, single submitter. Criteria: Invitae Variant Classification Sherloc (09022015). Collection method: clinical testing. Allele origin: germline.
Comment: This sequence change replaces proline, which is neutral and non-polar, with alanine, which is neutral and non-polar, at codon 359 of the COL3A1 protein (p.Pro359Ala). This variant is present in population databases (rs574831241, gnomAD 0.001%). This variant has not been reported in the literature in individuals affected with COL3A1-related conditions. ClinVar contains an entry for this variant (Variation ID: 1362707). Invitae Evidence Modeling of protein sequence and biophysical properties (such as structural, functional, and spatial information, amino acid conservation, physicochemical variation, residue mobility, and thermodynamic stability) indicates that this missense variant is not expected to disrupt COL3A1 protein function with a negative predictive value of 95%. In summary, the available evidence is currently insufficient to determine the role of this variant in disease. Therefore, it has been classified as a Variant of Uncertain Significance.

Revvity Omics, Revvity
Classification: Uncertain significance. Last evaluated: 2021-05-10. Review status: criteria provided, single submitter. Criteria: ACMG Guidelines, 2015. Collection method: clinical testing. Allele origin: germline.

NM_000090.4(COL3A1):c.1075C>G (p.Pro359Ala)

Gene: COL3A1 (collagen type III alpha 1 chain; plus strand). Cytogenetic location: 2q32.2.
Variant type: single nucleotide variant.
Coding change: c.1075C>G on transcript NM_000090.4 (MANE Select); coding-DNA position 1075, C replaced by G.
Protein change: p.Pro359Ala; replaces proline 359 with alanine.
Molecular consequence: missense variant.
Genome position (GRCh38, 1-based): chr2:188,993,385, C>G. VCF-style: chr2-188993385-C-G. GRCh37 (hg19) VCF-style: chr2-189858111-C-G.
Other names: c.1075C>G (NM_000090.3); short protein forms P359A.
Identifiers: ClinVar variation 1362707 (VCV001362707.10), dbSNP rs574831241, ClinGen allele CA073794.